The following is an entry in ClinVar:

ClinVar aggregate classification (germline): Uncertain significance (0 of 4 stars; one submission).

Conditions:
CEP290-related disorder. Also called: CEP290-related condition; CEP290-related disorders. Identifiers: MedGen CN239314.

gnomAD v4.1: 1 of 1,608,788 alleles (0.000062%); highest among the groups gnomAD compares: African/African-American, 0.0013%; no homozygotes.

Submission:

PreventionGenetics, part of Exact Sciences
Classification: Uncertain significance for CEP290-related condition. Last evaluated: 2024-06-26. Review status: no assertion criteria provided. Collection method: clinical testing. Allele origin: germline.
Comment: The CEP290 c.4305T>A variant is predicted to result in the amino acid substitution p.Phe1435Leu. To our knowledge, this variant has not been reported in the literature. This variant is reported in 0.0065% of alleles in individuals of African descent in gnomAD. At this time, the clinical significance of this variant is uncertain due to the absence of conclusive functional and genetic evidence.

NM_025114.4(CEP290):c.4305T>A (p.Phe1435Leu)

Gene: CEP290 (centrosomal protein 290; minus strand). Cytogenetic location: 12q21.32.
Variant type: single nucleotide variant.
Coding change: c.4305T>A on transcript NM_025114.4 (MANE Select); coding-DNA position 4305, T replaced by A.
Protein change: p.Phe1435Leu; replaces phenylalanine 1435 with leucine.
Molecular consequence: missense variant.
Genome position (GRCh38, 1-based): chr12:88,086,171, A>T on the plus strand (T>A on the coding strand, the complement: CEP290 is on the minus strand). VCF-style: chr12-88086171-A-T. GRCh37 (hg19) VCF-style: chr12-88479948-A-T.
Other names: short protein forms F1435L.
Identifiers: ClinVar variation 3347695 (VCV003347695.1).